The following is an entry in ClinVar:

NM_005032.7(PLS3):c.1237A>G (p.Asn413Asp)

Gene: PLS3 (plastin 3; plus strand). Cytogenetic location: Xq23.
Variant type: single nucleotide variant.
Coding change: c.1237A>G on transcript NM_005032.7 (MANE Select); coding-DNA position 1237, A replaced by G.
Protein change: p.Asn413Asp; replaces asparagine 413 with aspartic acid.
Molecular consequence: missense variant.
Genome position (GRCh38, 1-based): chrX:115,645,074, A>G. VCF-style: chrX-115645074-A-G. GRCh37 (hg19) VCF-style: chrX-114879394-A-G.
Other names: c.1237A>G, p.Asn413Asp (NM_001136025.5); c.1156A>G, p.Asn386Asp (NM_001172335.3); c.1198A>G, p.Asn400Asp (NM_001282337.2); c.1102A>G, p.Asn368Asp (NM_001282338.2); short protein forms N386D, N413D, N400D, N368D.
Identifiers: ClinVar variation 2760156 (VCV002760156.3), dbSNP rs2521534710, ClinGen allele CA414335506.

ClinVar aggregate classification (germline): Uncertain significance (1 of 4 stars; one submission).

Submission:

Labcorp Genetics (formerly Invitae), Labcorp
Classification: Uncertain significance. Last evaluated: 2023-09-11. Review status: criteria provided, single submitter. Criteria: Invitae Variant Classification Sherloc (09022015). Collection method: clinical testing. Allele origin: germline.
Comment: This sequence change replaces asparagine, which is neutral and polar, with aspartic acid, which is acidic and polar, at codon 413 of the PLS3 protein (p.Asn413Asp). This variant is not present in population databases (gnomAD no frequency). This variant has not been reported in the literature in individuals affected with PLS3-related conditions. Advanced modeling of protein sequence and biophysical properties (such as structural, functional, and spatial information, amino acid conservation, physicochemical variation, residue mobility, and thermodynamic stability) performed at Invitae indicates that this missense variant is not expected to disrupt PLS3 protein function. In summary, the available evidence is currently insufficient to determine the role of this variant in disease. Therefore, it has been classified as a Variant of Uncertain Significance.